The following is an entry in ClinVar:

NM_000380.4(XPA):c.459_460del (p.Cys153_Asp154delinsTer)

Gene: XPA (XPA, DNA damage recognition and repair factor; minus strand). Cytogenetic location: 9q22.33.
Variant type: Microsatellite.
Coding change: c.459_460del on transcript NM_000380.4 (MANE Select); coding-DNA positions 459 to 460, 2 bases deleted (TG; older notation c.459_460delTG).
Protein change: p.Cys153_Asp154delinsTer.
Molecular consequence: nonsense. On other transcripts: non-coding transcript variant (4).
Genome position (GRCh38, 1-based): chr9:97,687,191-97,687,192, CA deleted on the plus strand (TG on the coding strand, the reverse complement: XPA is on the minus strand); deleting any 2 consecutive bases within chr9:97,687,191-97,687,194 gives the same sequence; the c. name uses the placement nearest the transcript's 3' end. VCF-style (leftmost placement, unchanged base first): chr9-97687190-TCA-T. GRCh37 (hg19) VCF-style: chr9-100449472-TCA-T.
Other names: c.459_460delTG (NM_000380.3); c.333_334del, p.Cys111_Asp112delinsTer (NM_001354975.2).
Identifiers: ClinVar variation 554759 (VCV000554759.10), dbSNP rs1240801740, ClinGen allele CA589582426.
Genomic context (GRCh38, chr9:97,687,190, plus strand): 5'-TGTGAATGATGTGGATTCTTCTTCACAATAAATTTAAGAGGTGGCTCTCTTTTTTCTAAA[TCA>T]CAGTCTTTCAGAAGATATTCTTGTTTTGCCTCTGTTTTGGTTATAAGCTTGTGTTTATCA-3'

ClinVar aggregate classification (germline): Pathogenic/Likely pathogenic. Review status: criteria provided, multiple submitters, no conflicts (2 of 4 stars). 3 submissions from 3 submitters: Pathogenic (1); Likely pathogenic (1). 1 of the submissions does not count toward it. Last evaluated 2024-03-13.

Conditions:
Xeroderma pigmentosum group A (XPA). Also called: XPA-Related Xeroderma Pigmentosum; Xeroderma pigmentosum, complementation group A; XP, group A. Identifiers: Orphanet 910, MedGen C0268135, MONDO:0010210, OMIM 278700.

Submissions (3):

Labcorp Genetics (formerly Invitae), Labcorp
Classification: Pathogenic. Last evaluated: 2024-03-13. Review status: criteria provided, single submitter. Criteria: Invitae Variant Classification Sherloc (09022015). Collection method: clinical testing. Allele origin: germline.
Comment: This sequence change creates a premature translational stop signal (p.Cys153*) in the XPA gene. It is expected to result in an absent or disrupted protein product. Loss-of-function variants in XPA are known to be pathogenic (PMID: 27607234). This variant is present in population databases (no rsID available, gnomAD 0.006%). This variant has not been reported in the literature in individuals affected with XPA-related conditions. ClinVar contains an entry for this variant (Variation ID: 554759). Algorithms developed to predict the effect of sequence changes on RNA splicing suggest that this variant may disrupt the consensus splice site. For these reasons, this variant has been classified as Pathogenic.

Baylor Genetics
Classification: Likely pathogenic for Xeroderma pigmentosum group A. Last evaluated: 2024-01-05. Review status: criteria provided, single submitter. Criteria: ACMG Guidelines, 2015. Collection method: clinical testing. Allele origin: unknown.

Counsyl
Classification: Likely pathogenic for Xeroderma pigmentosum group A. Last evaluated: 2017-11-02. Review status: no assertion criteria provided. Collection method: clinical testing. Allele origin: unknown. Not counted in ClinVar's aggregate classification.

Literature cited by the submitters: PubMed 27607234 (cited by Labcorp Genetics (formerly Invitae), Labcorp).